The following is an entry in ClinVar:

ClinVar aggregate classification (germline): Uncertain significance (1 of 4 stars; one submission).

Submission:

Labcorp Genetics (formerly Invitae), Labcorp
Classification: Uncertain significance. Last evaluated: 2022-11-06. Review status: criteria provided, single submitter. Criteria: Invitae Variant Classification Sherloc (09022015). Collection method: clinical testing. Allele origin: germline.
Comment: In summary, the available evidence is currently insufficient to determine the role of this variant in disease. Therefore, it has been classified as a Variant of Uncertain Significance. Algorithms developed to predict the effect of missense changes on protein structure and function are either unavailable or do not agree on the potential impact of this missense change (SIFT: "Tolerated"; PolyPhen-2: "Possibly Damaging"; Align-GVGD: "Class C0"). This variant has not been reported in the literature in individuals affected with IRF2BP2-related conditions. This variant is not present in population databases (gnomAD no frequency). This sequence change replaces alanine, which is neutral and non-polar, with valine, which is neutral and non-polar, at codon 196 of the IRF2BP2 protein (p.Ala196Val).

NM_182972.3(IRF2BP2):c.587C>T (p.Ala196Val)

Gene: IRF2BP2 (interferon regulatory factor 2 binding protein 2; minus strand). Cytogenetic location: 1q42.3.
Variant type: single nucleotide variant.
Coding change: c.587C>T on transcript NM_182972.3 (MANE Select); coding-DNA position 587, C replaced by T.
Protein change: p.Ala196Val; replaces alanine 196 with valine.
Molecular consequence: missense variant.
Genome position (GRCh38, 1-based): chr1:234,608,908, G>A on the plus strand (C>T on the coding strand, the complement: IRF2BP2 is on the minus strand). VCF-style: chr1-234608908-G-A. GRCh37 (hg19) VCF-style: chr1-234744654-G-A.
Other names: c.587C>T, p.Ala196Val (NM_001077397.1); short protein forms A196V.
Identifiers: ClinVar variation 2881649 (VCV002881649.3), dbSNP rs2528521210, ClinGen allele CA345309480.
Genomic context (GRCh38, chr1:234,608,908, plus strand): 5'-ACCGCGGCTAAGGAGGCGGCAGCGCGGCCGCCGAGGCCGAGCGCGGTGGGCAGCGGCGTG[G>A]CCGAGCCGTTCATGAGCGGCACCAGGGTGGGCGGCACCGCGTGGCCGCGCCGCGGGTTCG-3'
Protein context (NP_892017.2, residues 186-206): PTLVPLMNGS[Ala196Val]TPLPTALGLG